The following is an entry in ClinVar:

ClinVar aggregate classification (germline): Likely pathogenic (1 of 4 stars; one submission).

Conditions:
KBG syndrome (KBGS). Also called: ANKRD11-Related KBG Syndrome. Identifiers: Orphanet 2332, MedGen C0220687, MONDO:0007846, OMIM 148050.

Submission:

Molecular Genetics Department, Kulakov National Medical Research Center for Obstetrics, Gynecology and Perinatology
Classification: Likely pathogenic for KBG syndrome. Review status: criteria provided, single submitter. Criteria: ACMG Guidelines, 2015. Collection method: clinical testing. Allele origin: germline. Affected: yes.
Comment: A previously undescribed nucleotide variant creates a frameshift p.Ser834ThrfsTer28 in the ANKRD11 gene. Loss-of-function variants are reported in patients with KBG syndrome, 148050. The variant is not present in population database (gnomAD no frequency). In summary, the currently available evidence indicates that the variant is pathogenic, but additional data are needed to prove that conclusively. Therefore, this variant has been classified as likely pathogenic.

NM_013275.6(ANKRD11):c.2499_2502del (p.Ser834fs)

Gene: ANKRD11 (ankyrin repeat domain 11; minus strand). Cytogenetic location: 16q24.3.
Variant type: Deletion.
Coding change: c.2499_2502del on transcript NM_013275.6 (MANE Select); coding-DNA positions 2499 to 2502, 4 bases deleted (TTCT; older notation c.2499_2502delTTCT).
Protein change: p.Ser834fs; shifts the reading frame from serine 834.
Molecular consequence: frameshift variant.
Genome position (GRCh38, 1-based): chr16:89,284,040-89,284,043, AGAA deleted on the plus strand (TTCT on the coding strand, the reverse complement: ANKRD11 is on the minus strand); deleting any 4 consecutive bases within chr16:89,284,040-89,284,045 gives the same sequence; the c. name uses the placement nearest the transcript's 3' end. VCF-style (leftmost placement, unchanged base first): chr16-89284039-CAGAA-C. GRCh37 (hg19) VCF-style: chr16-89350447-CAGAA-C.
Other names: c.2499_2502del, p.Ser834fs (NM_001256182.2, NM_001256183.2); short protein forms S834fs.
Identifiers: ClinVar variation 3062243 (VCV003062243.1), dbSNP rs2544240998, ClinGen allele CA2740095158.